The following is an entry in ClinVar:

NM_002432.3(MNDA):c.416C>G (p.Pro139Arg)

Gene: MNDA (myeloid cell nuclear differentiation antigen; plus strand). Cytogenetic location: 1q23.1.
Variant type: single nucleotide variant.
Coding change: c.416C>G on transcript NM_002432.3 (MANE Select); coding-DNA position 416, C replaced by G.
Protein change: p.Pro139Arg; replaces proline 139 with arginine.
Molecular consequence: missense variant.
Genome position (GRCh38, 1-based): chr1:158,843,968, C>G. VCF-style: chr1-158843968-C-G. GRCh37 (hg19) VCF-style: chr1-158813758-C-G.
Other names: short protein forms P139R.
Identifiers: ClinVar variation 1738399 (VCV001738399.2), dbSNP rs1252358170, ClinGen allele CA343039134.

ClinVar aggregate classification (germline): Uncertain significance (1 of 4 stars; one submission).

Submission:

Ambry Genetics
Classification: Uncertain significance. Last evaluated: 2021-10-06. Review status: criteria provided, single submitter. Criteria: Ambry Variant Classification Scheme 2023. Collection method: clinical testing. Allele origin: germline.
Comment: The p.P139R variant (also known as c.416C>G), located in coding exon 3 of the MNDA gene, results from a C to G substitution at nucleotide position 416. The proline at codon 139 is replaced by arginine, an amino acid with dissimilar properties. This amino acid position is conserved. In addition, this alteration is predicted to be tolerated by in silico analysis. Since supporting evidence is limited at this time, the clinical significance of this alteration remains unclear.